The following is an entry in ClinVar:

ClinVar aggregate classification (germline): Uncertain significance. Review status: criteria provided, multiple submitters, no conflicts (2 of 4 stars). 2 submissions from 2 submitters: Uncertain significance (2). Last evaluated 2026-09-17.

Conditions:
Atypical hemolytic-uremic syndrome. Identifiers: Orphanet 2134, MedGen C2931788, MONDO:0016244.

Allele frequency attached by ClinVar (database versions not stated): ExAC 0.00002; gnomAD exomes 0.00004.

Submissions (2):

Genomenon, Inc
Classification: Uncertain significance for Atypical hemolytic-uremic syndrome. Last evaluated: 2026-09-17. Review status: criteria provided, single submitter. Criteria: Genomenon Sequence Variant Interpretation Standards - Updated. Collection method: curation. Allele origin: germline. Affected: yes.
Comment: C3 p.Met1604Thr (c.4811T>C) is a missense variant that changes the amino acid at codon 1604 from Methionine to Threonine. This variant has been observed in at least one proband affected with atypical hemolytic-uremic syndrome (PMID:34169201;41674789). It is absent or not present at a significant frequency in gnomAD. In silico models predict that this variant is not damaging. In conclusion, we classify C3 p.Met1604Thr (c.4811T>C) as a variant of uncertain significance.

Labcorp Genetics (formerly Invitae), Labcorp
Classification: Uncertain significance. Last evaluated: 2022-12-15. Review status: criteria provided, single submitter. Criteria: Invitae Variant Classification Sherloc (09022015). Collection method: clinical testing. Allele origin: germline.
Comment: Advanced modeling of protein sequence and biophysical properties (such as structural, functional, and spatial information, amino acid conservation, physicochemical variation, residue mobility, and thermodynamic stability) performed at Invitae indicates that this missense variant is not expected to disrupt C3 protein function. In summary, the available evidence is currently insufficient to determine the role of this variant in disease. Therefore, it has been classified as a Variant of Uncertain Significance. This missense change has been observed in individual(s) with atypical hemolytic uremic syndrome (PMID: 34169201). This variant is present in population databases (rs761512303, gnomAD 0.03%). This sequence change replaces methionine, which is neutral and non-polar, with threonine, which is neutral and polar, at codon 1604 of the C3 protein (p.Met1604Thr).

Literature cited by the submitters: PubMed 34169201 (cited by Genomenon, Inc and Labcorp Genetics (formerly Invitae), Labcorp); PubMed 41674789 (cited by Genomenon, Inc).

NM_000064.4(C3):c.4811T>C (p.Met1604Thr)

Gene: C3 (complement C3; minus strand). Cytogenetic location: 19p13.3.
Variant type: single nucleotide variant.
Coding change: c.4811T>C on transcript NM_000064.4 (MANE Select); coding-DNA position 4811, T replaced by C.
Protein change: p.Met1604Thr; replaces methionine 1604 with threonine.
Molecular consequence: missense variant.
Genome position (GRCh38, 1-based): chr19:6,678,191, A>G on the plus strand (T>C on the coding strand, the complement: C3 is on the minus strand). VCF-style: chr19-6678191-A-G. GRCh37 (hg19) VCF-style: chr19-6678202-A-G.
Other names: short protein forms M1604T.
Identifiers: ClinVar variation 3022466 (VCV003022466.5), dbSNP rs761512303, ClinGen allele CA9128249.
Genomic context (GRCh38, chr19:6,678,191, plus strand): 5'-ACGCGCAGGGAAAGCACTCACTTGGGCTTCTCTCCCCAGAAATCGGAGGAGAGACCCCAC[A>G]TGAGGTAGTGTTTCTTCTCCTCCAGCTTCAGGGCTTCTCTGCACTTGATGGGGCTGATGA-3'
Protein context (NP_000055.2, residues 1594-1614): LKLEEKKHYL[Met1604Thr]WGLSSDFWGE